The following is an entry in ClinVar:

ClinVar aggregate classification (germline): Uncertain significance (1 of 4 stars; one submission).

Conditions:
Hypertrophic cardiomyopathy 3. Also called: TPM1-Related Familial Hypertrophic Cardiomyopathy. Identifiers: MedGen C1861863, MONDO:0007267, OMIM 115196.

Submission:

Victorian Clinical Genetics Services, Murdoch Childrens Research Institute
Classification: Uncertain significance for Hypertrophic cardiomyopathy 3. Last evaluated: 2021-05-06. Review status: criteria provided, single submitter. Criteria: ACMG Guidelines, 2015. Collection method: clinical testing. Allele origin: germline. Inheritance: Autosomal dominant inheritance. Affected: yes.
Comment: Based on the classification scheme VCGS_Germline_v1.3.4, this variant is classified as VUS-3B. Following criteria are met: 0105 - The mechanism of disease for this gene is not clearly established. However, it has been suggested that hypertrophic cardiomyopathy missense variants result in a gain of function whilst dilated cardiomyopathy variants result in a loss of function (PMID: 31270709). (I) 0107 - This gene is associated with autosomal dominant disease. (I) 0212 - Non-canonical splice site variant without proven consequence on splicing (no functional evidence available). (SP) 0219 - This variant is deep intronic in alternative transcripts. However, this variant is located in the splice region in the transcript most highly expressed in heart (GTEx) and predominantly reported in ClinVar. (I) 0251 - This variant is heterozygous. (I) 0301 - Variant is absent from gnomAD (both v2 and v3). (SP) 0508 - Abnormal splicing is not predicted, however the affected nucleotide is highly conserved. (I) 0705 - No comparable non-canonical splice variants have previous evidence for pathogenicity. (I) 0807 - This variant has no previous evidence of pathogenicity. (I) 0905 - No published segregation evidence has been identified for this variant. (I) 1007 - No published functional evidence has been identified for this variant. (I) 1208 - Inheritance information for this variant is not currently available in this individual. (I) Legend: (SP) - Supporting pathogenic, (I) - Information, (SB) - Supporting benign

Literature cited by the submitters: PubMed 31270709.

NM_001018005.2(TPM1):c.115-6T>C

Gene: TPM1 (tropomyosin 1; plus strand). Cytogenetic location: 15q22.2.
Variant type: single nucleotide variant.
Coding change: c.115-6T>C on transcript NM_001018005.2 (MANE Select); 6 bases into the intron before coding-DNA position 115, T replaced by C.
Molecular consequence: intron variant.
Genome position (GRCh38, 1-based): chr15:63,044,021, T>C. VCF-style: chr15-63044021-T-C. GRCh37 (hg19) VCF-style: chr15-63336220-T-C.
Other names: c.115-6T>C (NM_001018004.2, NM_000366.6, NM_001365779.1 and 3 more transcripts); c.240+190T>C (NM_001301244.2, NM_001018007.2, NM_001018020.2); c.241-6T>C (NM_001365778.1).
Identifiers: ClinVar variation 1806052 (VCV001806052.1), dbSNP rs2542431196, ClinGen allele CA923726149.